The following is an entry in ClinVar:

NM_001105247.2(ARMC5):c.1864+40A>G

Gene: ARMC5 (armadillo repeat containing 5; plus strand). Cytogenetic location: 16p11.2.
Variant type: single nucleotide variant.
Coding change: c.1864+40A>G on transcript NM_001105247.2 (MANE Select); 40 bases into the intron after coding-DNA position 1864, A replaced by G.
Molecular consequence: intron variant. On other transcripts: missense variant (1).
Genome position (GRCh38, 1-based): chr16:31,464,927, A>G. VCF-style: chr16-31464927-A-G. GRCh37 (hg19) VCF-style: chr16-31476248-A-G.
Other names: c.1904A>G, p.Glu635Gly (NM_024742.2); c.2149+40A>G (NM_001288767.2); c.1960+40A>G (NM_001301820.1); short protein forms E635G.
Identifiers: ClinVar variation 3350268 (VCV003350268.1).
Genomic context (GRCh38, chr16:31,464,927, plus strand): 5'-ACAGCCGGCACCGAGAGCTGGGTGAGTTCCCATACCCACCCGTCTCCTTGCCCCCATGTG[A>G]GTCCCCATCCTCCCCCATGGCTTCCATGGGCCCAGAACCTCACCTTCCCACTCACCTGTC-3'

ClinVar aggregate classification (germline): Uncertain significance (0 of 4 stars; one submission).

Conditions:
ARMC5-related disorder. Also called: ARMC5-related condition.

gnomAD v4.1: 4 of 1,610,694 alleles (0.00025%); highest among the groups gnomAD compares: African/African-American, 0.0013%; no homozygotes.

Submission:

PreventionGenetics, part of Exact Sciences
Classification: Uncertain significance for ARMC5-related condition. Last evaluated: 2024-08-15. Review status: no assertion criteria provided. Collection method: clinical testing. Allele origin: germline.
Comment: The ARMC5 c.1904A>G variant is predicted to result in the amino acid substitution p.Glu635Gly. To our knowledge, this variant has not been reported in the literature. This variant is reported in 0.0042% of alleles in individuals of African descent in gnomAD. At this time, the clinical significance of this variant is uncertain due to the absence of conclusive functional and genetic evidence.